The following is an entry in ClinVar:

ClinVar aggregate classification (germline): Likely pathogenic. Review status: criteria provided, single submitter (1 of 4 stars). 2 submissions from 2 submitters: Likely pathogenic (1). 1 of the submissions does not count toward it. Last evaluated 2025-12-06.

Conditions:
Nemaline myopathy 2 (NEM2). Also called: Nemaline myopathy 2, autosomal recessive. Identifiers: MedGen C1850569, MONDO:0009725, OMIM 256030.

Allele frequency attached by ClinVar (database versions not stated): 1000 Genomes Project 30x 0.00031.

Submissions (2):

Labcorp Genetics (formerly Invitae), Labcorp
Classification: Likely pathogenic for Nemaline myopathy 2. Last evaluated: 2025-12-06. Review status: criteria provided, single submitter. Criteria: Invitae Variant Classification Sherloc (09022015). Collection method: clinical testing. Allele origin: germline.
Comment: This variant occurs in a region of NEB (Exons 82-105) consisting of three highly homologous 8-exon repeat units (exons 82-89, exons 90-97, exons 98-105). Sequence variants in this region can be detected, but this assay cannot determine which of the three repeat units is affected, and zygosity is often ambiguous. All variants in this region are reported relative to the exon 82-89 repeat. This sequence change affects an acceptor splice site in intron 85 of the NEB gene. It is expected to disrupt RNA splicing. Variants that disrupt the donor or acceptor splice site typically lead to a loss of protein function (PMID: 16199547), and loss-of-function variants in NEB are known to be pathogenic (PMID: 25205138). The frequency data for this variant in the population databases (gnomAD) is considered unreliable due to the presence of homologous sequence, such as pseudogenes or paralogs, in the genome. This variant has not been reported in the literature in individuals affected with NEB-related conditions. ClinVar contains an entry for this variant (Variation ID: 855389). Algorithms developed to predict the effect of sequence changes on RNA splicing suggest that this variant may disrupt the consensus splice site. In summary, the currently available evidence indicates that the variant is pathogenic, but additional data are needed to prove that conclusively. Therefore, this variant has been classified as Likely Pathogenic.

Natera, Inc.
Classification: Likely pathogenic for Nemaline myopathy type 2. Last evaluated: 2020-09-16. Review status: no assertion criteria provided. Collection method: clinical testing. Allele origin: germline. Not counted in ClinVar's aggregate classification.

Literature cited by the submitters: PubMed 16199547 (cited by Labcorp Genetics (formerly Invitae), Labcorp); PubMed 25205138 (cited by Labcorp Genetics (formerly Invitae), Labcorp).

NM_001164508.2(NEB):c.13060-2A>G

Gene: NEB (nebulin; minus strand). Cytogenetic location: 2q23.3.
Variant type: single nucleotide variant.
Coding change: c.13060-2A>G on transcript NM_001164508.2 (MANE Select); the canonical splice acceptor site of the intron before coding-DNA position 13060, A replaced by G.
Molecular consequence: splice acceptor variant. On other transcripts: intron variant (1).
Genome position (GRCh38, 1-based): chr2:151,603,774, T>C on the plus strand (A>G on the coding strand, the complement: NEB is on the minus strand). VCF-style: chr2-151603774-T-C. GRCh37 (hg19) VCF-style: chr2-152460288-T-C.
Other names: c.11601+6035A>G (NM_004543.5); c.13060-2A>G (NM_001164507.2, NM_001271208.2).
Identifiers: ClinVar variation 855389 (VCV000855389.12), dbSNP rs2097571378, ClinGen allele CA348772649.